The following is an entry in ClinVar:

NM_000593.6(TAP1):c.879C>T (p.Ser293=)

Gene: TAP1 (transporter 1, ATP binding cassette subfamily B member; minus strand). Cytogenetic location: 6p21.32.
Variant type: single nucleotide variant.
Coding change: c.879C>T on transcript NM_000593.6 (MANE Select); coding-DNA position 879, C replaced by T.
Protein change: p.Ser293=; no amino-acid change (serine 293 retained).
Molecular consequence: synonymous variant.
Genome position (GRCh38, 1-based): chr6:32,851,115, G>A on the plus strand (C>T on the coding strand, the complement: TAP1 is on the minus strand). VCF-style: chr6-32851115-G-A. GRCh37 (hg19) VCF-style: chr6-32818892-G-A.
Other names: c.276C>T, p.Ser92= (NM_001292022.2); c.1059C>T (NM_000593.5).
Identifiers: ClinVar variation 2748922 (VCV002748922.6), dbSNP rs149701253, ClinGen allele CA3746902.
Genomic context (GRCh38, chr6:32,851,115, plus strand): 5'-GCCTCGCACCAGGTACCACAGAAATAAGCTCAGATTCTCACTCAGAGAATCACTCAGGGT[G>A]GACGTGTCCTCTGTTACCCGAGACATGATGTTACCTGCAGGGTTGGGGAGAAGAGAGTGA-3'
Protein context (NP_000584.3, residues 283-303): NIMSRVTEDT[Ser293=]TLSDSLSENL

ClinVar aggregate classification (germline): Likely benign. Review status: criteria provided, multiple submitters, no conflicts (2 of 4 stars). 3 submissions from 3 submitters: Likely benign (2). 1 of the submissions does not count toward it. Last evaluated 2025-11-03.

Conditions:
MHC class I deficiency. Identifiers: Orphanet 34592, MedGen C6024714, MONDO:0011476.
TAP1-related disorder. Also called: TAP1-related condition.

Allele frequency attached by ClinVar (database versions not stated): gnomAD exomes 0.00001; gnomAD 0.00002; TOPMed 0.00003; ExAC 0.00005; ESP Exome Variant Server 0.00012.
gnomAD v4.1: 23 of 1,612,880 alleles (0.0014%); highest among the groups gnomAD compares: Non-Finnish European, 0.0016%; no homozygotes.

Submissions (3):

Labcorp Genetics (formerly Invitae), Labcorp
Classification: Likely benign for MHC class I deficiency 1. Last evaluated: 2025-11-03. Review status: criteria provided, single submitter. Criteria: Invitae Variant Classification Sherloc (09022015). Collection method: clinical testing. Allele origin: germline.

Blueprint Genetics
Classification: Likely benign. Last evaluated: 2023-03-20. Review status: criteria provided, single submitter. Criteria: ACMG Guidelines, 2015. Collection method: clinical testing. Allele origin: germline.

PreventionGenetics, part of Exact Sciences
Classification: Likely benign for TAP1-related condition. Last evaluated: 2019-02-27. Review status: no assertion criteria provided. Collection method: clinical testing. Allele origin: germline. Not counted in ClinVar's aggregate classification.
Comment: This variant is classified as likely benign based on ACMG/AMP sequence variant interpretation guidelines (Richards et al. 2015 PMID: 25741868, with internal and published modifications).